The following is an entry in ClinVar:

ClinVar aggregate classification (germline): Pathogenic (1 of 4 stars; one submission).

Conditions:
Progressive familial intrahepatic cholestasis type 2. Identifiers: Orphanet 79304, MedGen C3489789, MONDO:0011156, OMIM 601847.

Submission:

Natera, Inc.
Classification: Pathogenic for Progressive familial intrahepatic cholestasis type 2. Last evaluated: 2025-09-25. Review status: criteria provided, single submitter. Criteria: Natera Variant Classification Schema (03/2026). Collection method: clinical testing. Allele origin: germline.
Comment: The c.1479G>A variant in ABCB11 is a nonsense variant predicted to introduce a stop codon at amino acid 493. This variant is expected to result in nonsense mediated decay, truncation, or a dysfunctional protein product. This variant is rare in the general population with a frequency below the threshold expected for the associated phenotype(s). This variant has been observed in one or more individuals affected with the associated recessive disease, as either homozygous or compound heterozygous with a second variant (PMID: 18692205). Given the available evidence, this variant is classified as Pathogenic.

Literature cited by the submitters: PubMed 18692205.

NM_003742.4(ABCB11):c.1479G>A (p.Trp493Ter)

Gene: ABCB11 (ATP binding cassette subfamily B member 11; minus strand). Cytogenetic location: 2q31.1.
Variant type: single nucleotide variant.
Coding change: c.1479G>A on transcript NM_003742.4 (MANE Select); coding-DNA position 1479, G replaced by A.
Protein change: p.Trp493Ter; replaces tryptophan 493 with a stop codon.
Molecular consequence: nonsense.
Genome position (GRCh38, 1-based): chr2:168,972,006, C>T on the plus strand (G>A on the coding strand, the complement: ABCB11 is on the minus strand). VCF-style: chr2-168972006-C-T. GRCh37 (hg19) VCF-style: chr2-169828516-C-T.
Other names: short protein forms W493*.
Identifiers: ClinVar variation 4815259 (VCV004815259.1).